The following is an entry in ClinVar:

ClinVar aggregate classification (germline): Likely benign. Review status: criteria provided, multiple submitters, no conflicts (2 of 4 stars). 3 submissions from 3 submitters: Likely benign (3). Last evaluated 2026-05-19.

Conditions:
Hereditary cancer-predisposing syndrome. Also called: Neoplastic Syndromes, Hereditary; Tumor predisposition; Hereditary Cancer Syndrome; Hereditary neoplastic syndrome. Identifiers: Orphanet 140162, MedGen C0027672, MeSH D009386, MONDO:0015356.
EGFR-related lung cancer (EGFR). Identifiers: MedGen CN130014.

Allele frequency attached by ClinVar (database versions not stated): gnomAD 0.00001.
gnomAD v4.1: 1 of 1,614,052 alleles (0.000062%); highest among the groups gnomAD compares: Non-Finnish European, 0.000085%; no homozygotes.

Submissions (3):

Ambry Genetics
Classification: Likely benign for Hereditary cancer-predisposing syndrome. Last evaluated: 2026-05-19. Review status: criteria provided, single submitter. Criteria: Ambry Variant Classification Scheme 2023. Collection method: clinical testing. Allele origin: germline.

Labcorp Genetics (formerly Invitae), Labcorp
Classification: Likely benign for EGFR-related lung cancer. Last evaluated: 2024-11-28. Review status: criteria provided, single submitter. Criteria: Invitae Variant Classification Sherloc (09022015). Collection method: clinical testing. Allele origin: germline.

CeGaT Center for Human Genetics Tuebingen
Classification: Likely benign. Last evaluated: 2023-09-01. Review status: criteria provided, single submitter. Criteria: CeGaT Center For Human Genetics Tuebingen Variant Classification Criteria Version 2. Collection method: clinical testing. Allele origin: germline. Affected: yes. Observed: 1 variant allele.
Comment: EGFR: BP4, BP7

NM_005228.5(EGFR):c.2976T>C (p.Pro992=)

Gene: EGFR (epidermal growth factor receptor; plus strand). Cytogenetic location: 7p11.2.
Variant type: single nucleotide variant.
Coding change: c.2976T>C on transcript NM_005228.5 (MANE Select); coding-DNA position 2976, T replaced by C.
Protein change: p.Pro992=; no amino-acid change (proline 992 retained).
Molecular consequence: synonymous variant.
Genome position (GRCh38, 1-based): chr7:55,201,217, T>C. VCF-style: chr7-55201217-T-C. GRCh37 (hg19) VCF-style: chr7-55268910-T-C.
Other names: c.2841T>C, p.Pro947= (NM_001346897.2, NM_001346899.2); c.2976T>C, p.Pro992= (NM_001346898.2); c.2817T>C, p.Pro939= (NM_001346900.2); c.2175T>C, p.Pro725= (NM_001346941.2).
Identifiers: ClinVar variation 2657511 (VCV002657511.27), dbSNP rs1787831817, ClinGen allele CA454968524.